The following is an entry in ClinVar:

NM_001080449.3(DNA2):c.1416-11T>C

Gene: DNA2 (DNA replication helicase/nuclease 2; minus strand). Cytogenetic location: 10q21.3.
Variant type: single nucleotide variant.
Coding change: c.1416-11T>C on transcript NM_001080449.3 (MANE Select); 11 bases into the intron before coding-DNA position 1416, T replaced by C.
Molecular consequence: intron variant.
Genome position (GRCh38, 1-based): chr10:68,437,252, A>G on the plus strand (T>C on the coding strand, the complement: DNA2 is on the minus strand). VCF-style: chr10-68437252-A-G. GRCh37 (hg19) VCF-style: chr10-70197009-A-G.
Identifiers: ClinVar variation 679047 (VCV000679047.1), dbSNP rs1345473976, ClinGen allele CA915945937.
Genomic context (GRCh38, chr10:68,437,252, plus strand): 5'-TTACATGTTCCATTCTAATCAGGTTTCCAATGCAACTGCCACTCTTCTCCCTATGAAAAG[A>G]CCAAAGAGAAAAAAACTTCTGTTTATATTACATACGTAAGTATTGTGTCTGCATTTTCCT-3'

ClinVar aggregate classification (germline): Likely benign (1 of 4 stars; one submission).

Submission:

GeneDx
Classification: Likely benign. Last evaluated: 2018-03-29. Review status: criteria provided, single submitter. Criteria: GeneDx Variant Classification (06012015). Collection method: clinical testing. Allele origin: germline. Affected: yes.
Comment: This variant is considered likely benign or benign based on one or more of the following criteria: it is a conservative change, it occurs at a poorly conserved position in the protein, it is predicted to be benign by multiple in silico algorithms, and/or has population frequency not consistent with disease.